The following is an entry in ClinVar:

ClinVar aggregate classification (germline): Likely benign. Review status: criteria provided, multiple submitters, no conflicts (2 of 4 stars). 2 submissions from 2 submitters: Likely benign (2). Last evaluated 2018-06-14.

Allele frequency attached by ClinVar (database versions not stated): 1000 Genomes Project 0.00439; 1000 Genomes Project 30x 0.00484.

Submissions (2):

GeneDx
Classification: Likely benign. Last evaluated: 2018-06-14. Review status: criteria provided, single submitter. Criteria: GeneDx Variant Classification (06012015). Collection method: clinical testing. Allele origin: germline. Affected: yes.
Comment: This variant is considered likely benign or benign based on one or more of the following criteria: it is a conservative change, it occurs at a poorly conserved position in the protein, it is predicted to be benign by multiple in silico algorithms, and/or has population frequency not consistent with disease.

Breakthrough Genomics
Classification: Likely benign. Review status: criteria provided, single submitter. Criteria: ACMG Guidelines, 2015. Collection method: not provided. Allele origin: germline. Inheritance: Autosomal dominant inheritance. Affected: yes.

NM_001130438.3(SPTAN1):c.1221+115T>A

Gene: SPTAN1 (spectrin alpha, non-erythrocytic 1; plus strand). Cytogenetic location: 9q34.11.
Variant type: single nucleotide variant.
Coding change: c.1221+115T>A on transcript NM_001130438.3 (MANE Select); 115 bases into the intron after coding-DNA position 1221, T replaced by A.
Molecular consequence: intron variant.
Genome position (GRCh38, 1-based): chr9:128,578,360, T>A. VCF-style: chr9-128578360-T-A. GRCh37 (hg19) VCF-style: chr9-131340639-T-A.
Other names: c.1221+115T>A (NM_001363759.2, NM_003127.4, NM_001363765.2 and 1 more transcripts).
Identifiers: ClinVar variation 675571 (VCV000675571.2), dbSNP rs1890103, ClinGen allele CA200375665.